The following is an entry in ClinVar:

ClinVar aggregate classification (germline): Benign/Likely benign. Review status: criteria provided, multiple submitters, no conflicts (2 of 4 stars). 2 submissions from 2 submitters: Benign (1); Likely benign (1). Last evaluated 2025-06-12.

Conditions:
Glucocorticoid resistance. Also called: Glucocorticoid resistance, generalized; Gccr deficiency; Glucocorticoid receptor deficiency; Cortisol resistance from glucocorticoid receptor defect; Gcr deficiency. Identifiers: Orphanet 786, MedGen C1841972, MONDO:0014421, OMIM 615962.

Allele frequency attached by ClinVar (database versions not stated): ExAC 0.00213; gnomAD exomes 0.00236 and 0.00070; ESP Exome Variant Server 0.00008; gnomAD 0.00061 and 0.00098; TOPMed 0.00098; 1000 Genomes Project 30x 0.00609; 1000 Genomes Project 0.00639.
gnomAD v4.1: 1,257 of 1,614,190 alleles (0.078%); highest among the groups gnomAD compares: East Asian, 1.9%; 17 homozygotes.

Submissions (2):

Labcorp Genetics (formerly Invitae), Labcorp
Classification: Benign. Last evaluated: 2025-06-12. Review status: criteria provided, single submitter. Criteria: Invitae Variant Classification Sherloc (09022015). Collection method: clinical testing. Allele origin: germline.

Illumina Laboratory Services, Illumina
Classification: Likely benign for Glucocorticoid resistance. Last evaluated: 2018-01-13. Review status: criteria provided, single submitter. Criteria: ICSL Variant Classification Criteria 13 December 2019. Collection method: clinical testing. Allele origin: germline.
Comment: This variant was observed in the ICSL laboratory as part of a predisposition screen in an ostensibly healthy population. It had not been previously curated by ICSL or reported in the Human Gene Mutation Database (HGMD: prior to June 1st, 2018), and was therefore a candidate for classification through an automated scoring system. Utilizing variant allele frequency, disease prevalence and penetrance estimates, and inheritance mode, an automated score was calculated to assess if this variant is too frequent to cause the disease. Based on the score and internal cut-off values, a variant classified as likely benign is not then subjected to further curation. The score for this variant resulted in a classification of likely benign for this disease.

NM_000176.3(NR3C1):c.897A>G (p.Thr299=)

Gene: NR3C1 (nuclear receptor subfamily 3 group C member 1; minus strand). Cytogenetic location: 5q31.3.
Variant type: single nucleotide variant.
Coding change: c.897A>G on transcript NM_000176.3 (MANE Select); coding-DNA position 897, A replaced by G.
Protein change: p.Thr299=; no amino-acid change (threonine 299 retained).
Molecular consequence: synonymous variant. On other transcripts: 5 prime UTR variant (3).
Genome position (GRCh38, 1-based): chr5:143,399,943, T>C on the plus strand (A>G on the coding strand, the complement: NR3C1 is on the minus strand). VCF-style: chr5-143399943-T-C. GRCh37 (hg19) VCF-style: chr5-142779508-T-C.
Other names: c.897A>G, p.Thr299= (NM_001018074.1, NM_001018075.1, NM_001018076.2 and 10 more transcripts); c.819A>G, p.Thr273= (NM_001204258.2); c.642A>G, p.Thr214= (NM_001204259.2); c.630A>G, p.Thr210= (NM_001204260.2); c.606A>G, p.Thr202= (NM_001204261.2); c.-49A>G (NM_001204262.2); c.-94A>G (NM_001204263.2); c.-109A>G (NM_001204264.2).
Identifiers: ClinVar variation 351370 (VCV000351370.14), dbSNP rs13306588, ClinGen allele CA3486997.